The following is an entry in ClinVar:

NM_015215.4(CAMTA1):c.4054C>T (p.Gln1352Ter)

Genes: CAMTA1 (calmodulin binding transcription activator 1; plus strand), LOC126805603 (CDK7 strongly-dependent group 2 enhancer GRCh37_chr1:7798026-7799225; plus strand). Cytogenetic location: 1p36.23.
Variant type: single nucleotide variant.
Coding change: c.4054C>T on transcript NM_015215.4 (MANE Select); coding-DNA position 4054, C replaced by T.
Protein change: p.Gln1352Ter; replaces glutamine 1352 with a stop codon.
Molecular consequence: nonsense.
Genome position (GRCh38, 1-based): chr1:7,738,354, C>T. VCF-style: chr1-7738354-C-T. GRCh37 (hg19) VCF-style: chr1-7798414-C-T.
Other names: c.3964C>T, p.Gln1322Ter (NM_001349608.2); c.3715C>T, p.Gln1239Ter (NM_001349609.2, NM_001349610.2, NM_001410737.1); c.3625C>T, p.Gln1209Ter (NM_001349612.2); c.1183C>T, p.Gln395Ter (NM_001349613.1); c.1126C>T, p.Gln376Ter (NM_001349614.1, NM_001349615.2, NM_001349616.2 and 2 more transcripts); c.787C>T, p.Gln263Ter (NM_001349619.2, NM_001349620.1, NM_001349621.1 and 5 more transcripts); c.3643C>T, p.Gln1215Ter (NM_001410738.1); short protein forms Q1209*, Q1215*, Q1239*, Q1322*, Q1352*, Q263*, Q376*, Q395*.
Identifiers: ClinVar variation 4681844 (VCV004681844.5).

ClinVar aggregate classification (germline): Pathogenic (1 of 4 stars; one submission).

Submission:

CeGaT Center for Human Genetics Tuebingen
Classification: Pathogenic. Last evaluated: 2025-12-01. Review status: criteria provided, single submitter. Criteria: CeGaT Center For Human Genetics Tuebingen Variant Classification Criteria Version 2. Collection method: clinical testing. Allele origin: germline. Affected: yes. Observed: 1 variant allele.
Comment: CAMTA1: PVS1, PM2